The following is an entry in ClinVar:

ClinVar aggregate classification (germline): Uncertain significance (1 of 4 stars; one submission).

Conditions:
Cardiovascular phenotype. Identifiers: MedGen CN230736.

Submission:

Ambry Genetics
Classification: Uncertain significance for Cardiovascular phenotype. Last evaluated: 2022-08-20. Review status: criteria provided, single submitter. Criteria: Ambry Variant Classification Scheme 2023. Collection method: clinical testing. Allele origin: germline.
Comment: The p.A339T variant (also known as c.1015G>A), located in coding exon 8 of the TBX1 gene, results from a G to A substitution at nucleotide position 1015. The alanine at codon 339 is replaced by threonine, an amino acid with similar properties. This amino acid position is conserved. In addition, this alteration is predicted to be tolerated by in silico analysis. Since supporting evidence is limited at this time, the clinical significance of this alteration remains unclear.

NM_001379200.1(TBX1):c.1042G>A (p.Ala348Thr)

Gene: TBX1 (T-box transcription factor 1; plus strand). Cytogenetic location: 22q11.21.
Variant type: single nucleotide variant.
Coding change: c.1042G>A on transcript NM_001379200.1 (MANE Select); coding-DNA position 1042, G replaced by A.
Protein change: p.Ala348Thr; replaces alanine 348 with threonine.
Molecular consequence: missense variant. On other transcripts: intron variant (2).
Genome position (GRCh38, 1-based): chr22:19,766,394, G>A. VCF-style: chr22-19766394-G-A. GRCh37 (hg19) VCF-style: chr22-19753917-G-A.
Other names: c.1015G>A, p.Ala339Thr (NM_080647.1); c.1009+392G>A (NM_005992.1, NM_080646.2); short protein forms A348T, A339T.
Identifiers: ClinVar variation 1742621 (VCV001742621.2), dbSNP rs1282566456, ClinGen allele CA410683971.